The following is an entry in ClinVar:

NM_001303052.2(MYT1L):c.925G>T (p.Gly309Ter)

Gene: MYT1L (myelin transcription factor 1 like; minus strand). Cytogenetic location: 2p25.3.
Variant type: single nucleotide variant.
Coding change: c.925G>T on transcript NM_001303052.2 (MANE Select); coding-DNA position 925, G replaced by T.
Protein change: p.Gly309Ter; replaces glycine 309 with a stop codon.
Molecular consequence: nonsense.
Genome position (GRCh38, 1-based): chr2:1,922,844, C>A on the plus strand (G>T on the coding strand, the complement: MYT1L is on the minus strand). VCF-style: chr2-1922844-C-A. GRCh37 (hg19) VCF-style: chr2-1926616-C-A.
Other names: c.925G>T, p.Gly309Ter (NM_001329852.3, NM_015025.4, NM_001329844.2 and 6 more transcripts); short protein forms G309*.
Identifiers: ClinVar variation 4875076 (VCV004875076.2).

ClinVar aggregate classification (germline): Pathogenic (1 of 4 stars; one submission).

Submission:

CeGaT Center for Human Genetics Tuebingen
Classification: Pathogenic. Last evaluated: 2026-06-01. Review status: criteria provided, single submitter. Criteria: CeGaT Center For Human Genetics Tuebingen Variant Classification Criteria Version 2. Collection method: clinical testing. Allele origin: germline. Affected: yes. Observed: 1 variant allele.
Comment: MYT1L: PVS1, PM2